The following is an entry in ClinVar:

NM_021098.3(CACNA1H):c.139G>A (p.Gly47Ser)

Gene: CACNA1H (calcium voltage-gated channel subunit alpha1 H; plus strand). Cytogenetic location: 16p13.3.
Variant type: single nucleotide variant.
Coding change: c.139G>A on transcript NM_021098.3 (MANE Select); coding-DNA position 139, G replaced by A.
Protein change: p.Gly47Ser; replaces glycine 47 with serine.
Molecular consequence: missense variant.
Genome position (GRCh38, 1-based): chr16:1,153,876, G>A. VCF-style: chr16-1153876-G-A. GRCh37 (hg19) VCF-style: chr16-1203876-G-A.
Other names: c.139G>A, p.Gly47Ser (NM_001005407.2); short protein forms G47S.
Identifiers: ClinVar variation 4217846 (VCV004217846.2).

ClinVar aggregate classification (germline): Uncertain significance. Review status: criteria provided, multiple submitters, no conflicts (2 of 4 stars). 2 submissions from 2 submitters: Uncertain significance (2). Last evaluated 2025-08-26.

Conditions:
Inborn genetic diseases. Identifiers: MedGen C0950123, MeSH D030342.
Hyperaldosteronism, familial, type IV (HALD4). Also called: FH IV; ALDOSTERONISM, PRIMARY, AND HYPERTENSION. Identifiers: Orphanet 642671, MedGen C4310756, MONDO:0014875, OMIM 617027.
Idiopathic generalized epilepsy. Also called: Generalised epilepsy; EIG. Identifiers: MedGen C0270850, MONDO:0005579, OMIM 600669.

gnomAD v4.1: 17 of 1,407,186 alleles (0.0012%); highest among the groups gnomAD compares: East Asian, 0.0063%; no homozygotes.

Submissions (2):

Ambry Genetics
Classification: Uncertain significance for Inborn genetic diseases. Last evaluated: 2025-08-26. Review status: criteria provided, single submitter. Criteria: Ambry Variant Classification Scheme 2023. Collection method: clinical testing. Allele origin: germline.

Labcorp Genetics (formerly Invitae), Labcorp
Classification: Uncertain significance for Idiopathic generalized epilepsy; Hyperaldosteronism, familial, type IV. Last evaluated: 2025-03-13. Review status: criteria provided, single submitter. Criteria: Invitae Variant Classification Sherloc (09022015). Collection method: clinical testing. Allele origin: germline.
Comment: This sequence change replaces glycine, which is neutral and non-polar, with serine, which is neutral and polar, at codon 47 of the CACNA1H protein (p.Gly47Ser). This variant is not present in population databases (gnomAD no frequency). This variant has not been reported in the literature in individuals affected with CACNA1H-related conditions. Invitae Evidence Modeling of protein sequence and biophysical properties (such as structural, functional, and spatial information, amino acid conservation, physicochemical variation, residue mobility, and thermodynamic stability) indicates that this missense variant is not expected to disrupt CACNA1H protein function with a negative predictive value of 95%. In summary, the available evidence is currently insufficient to determine the role of this variant in disease. Therefore, it has been classified as a Variant of Uncertain Significance.